The following is an entry in ClinVar:

ClinVar aggregate classification (germline): Uncertain significance (1 of 4 stars; one submission).

gnomAD v4.1: 1 of 1,608,356 alleles (0.000062%); highest among the groups gnomAD compares: Non-Finnish European, 0.000085%; no homozygotes.

Submission:

Ambry Genetics
Classification: Uncertain significance. Last evaluated: 2024-09-13. Review status: criteria provided, single submitter. Criteria: Ambry Variant Classification Scheme 2023. Collection method: clinical testing. Allele origin: germline.
Comment: The p.S943R variant (also known as c.2829C>G), located in coding exon 16 of the PALLD gene, results from a C to G substitution at nucleotide position 2829. The serine at codon 943 is replaced by arginine, an amino acid with dissimilar properties. This amino acid position is conserved. In addition, this alteration is predicted to be tolerated by in silico analysis. Based on the available evidence, the clinical significance of this variant remains unclear.

NM_001166108.2(PALLD):c.2880C>G (p.Ser960Arg)

Genes: CBR4 (carbonyl reductase 4; minus strand), PALLD (palladin, cytoskeletal associated protein; plus strand). Cytogenetic location: 4q32.3.
Variant type: single nucleotide variant.
Coding change: c.2880C>G on transcript NM_001166108.2 (MANE Select); coding-DNA position 2880, C replaced by G.
Protein change: p.Ser960Arg; replaces serine 960 with arginine.
Molecular consequence: missense variant.
Genome position (GRCh38, 1-based): chr4:168,921,563, C>G. VCF-style: chr4-168921563-C-G. GRCh37 (hg19) VCF-style: chr4-169842714-C-G.
Other names: c.1683C>G, p.Ser561Arg (NM_001166109.2); c.1368C>G, p.Ser456Arg (NM_001166110.2); c.708C>G, p.Ser236Arg (NM_001367567.1, NM_001367569.1); c.759C>G, p.Ser253Arg (NM_001367568.1, NM_001367570.1); c.2829C>G, p.Ser943Arg (NM_016081.4); short protein forms S456R, S960R, S236R, S943R, S253R, S561R.
Identifiers: ClinVar variation 3413620 (VCV003413620.1).